The following is an entry in ClinVar:

NM_006231.4(POLE):c.5298GGA[1] (p.Glu1767del)

Gene: POLE (DNA polymerase epsilon, catalytic subunit; minus strand). Cytogenetic location: 12q24.33.
Variant type: Microsatellite.
Coding change: c.5298GGA[1] on transcript NM_006231.4 (MANE Select); one copy of the 3-base unit GGA starting at c.5298; the reference has two copies in a row; one copy, 3 bases deleted.
Protein change: p.Glu1767del; deletes glutamic acid 1767.
Genome position (GRCh38, 1-based): chr12:132,641,722-132,641,724, TCC deleted on the plus strand (GGA on the coding strand, the reverse complement: POLE is on the minus strand); deleting any 3 consecutive bases within chr12:132,641,722-132,641,727 gives the same sequence; the position shown is the placement nearest the transcript's 3' end. VCF-style (leftmost placement, unchanged base first): chr12-132641721-GTCC-G. GRCh37 (hg19) VCF-style: chr12-133218307-GTCC-G.
Other names: short protein forms E1767del.
Identifiers: ClinVar variation 3935691 (VCV003935691.1).

ClinVar aggregate classification (germline): Uncertain significance (1 of 4 stars; one submission).

Conditions:
Hereditary cancer-predisposing syndrome. Also called: Tumor predisposition; Hereditary neoplastic syndrome; Hereditary Cancer Syndrome; Neoplastic Syndromes, Hereditary. Identifiers: Orphanet 140162, MedGen C0027672, MeSH D009386, MONDO:0015356.

Submission:

Ambry Genetics
Classification: Uncertain significance for Hereditary cancer-predisposing syndrome. Last evaluated: 2025-03-27. Review status: criteria provided, single submitter. Criteria: Ambry Variant Classification Scheme 2023. Collection method: clinical testing. Allele origin: germline.
Comment: The c.5301_5303delGGA variant (also known as p.E1767del) is located in coding exon 39 of the POLE gene. This variant results from an in-frame GGA deletion at nucleotide positions 5301 to 5303. This results in the in-frame deletion of a glutamic acid at codon 1767. In addition, this alteration is predicted to be deleterious by in silico analysis (Choi Y et al. PLoS ONE. 2012; 7(10):e46688). Based on the available evidence, the clinical significance of this variant remains unclear.